The following is an entry in ClinVar:

NM_006662.3(SRCAP):c.3997C>A (p.Pro1333Thr)

Gene: SRCAP (Snf2 related CREBBP activator protein; plus strand). Cytogenetic location: 16p11.2.
Variant type: single nucleotide variant.
Coding change: c.3997C>A on transcript NM_006662.3 (MANE Select); coding-DNA position 3997, C replaced by A.
Protein change: p.Pro1333Thr; replaces proline 1333 with threonine.
Molecular consequence: missense variant.
Genome position (GRCh38, 1-based): chr16:30,723,067, C>A. VCF-style: chr16-30723067-C-A. GRCh37 (hg19) VCF-style: chr16-30734388-C-A.
Other names: short protein forms P1333T.
Identifiers: ClinVar variation 4975749 (VCV004975749.1).

ClinVar aggregate classification (germline): Uncertain significance (1 of 4 stars; one submission).

Submission:

GeneDx
Classification: Uncertain significance. Last evaluated: 2026-01-27. Review status: criteria provided, single submitter. Criteria: GeneDx Variant Classification Process June 2021. Collection method: clinical testing. Allele origin: germline.
Comment: Not observed at significant frequency in large population cohorts (gnomAD); In silico analysis suggests that this missense variant does not alter protein structure/function; Has not been previously published as pathogenic or benign to our knowledge